The following is an entry in ClinVar:

ClinVar aggregate classification (germline): Uncertain significance. Review status: criteria provided, multiple submitters, no conflicts (2 of 4 stars). 5 submissions from 5 submitters: Uncertain significance (5). Last evaluated 2025-09-23.

Conditions:
TRPM1-related disorder. Also called: TRPM1-related condition.
Inborn genetic diseases. Identifiers: MedGen C0950123, MeSH D030342.

Allele frequency attached by ClinVar (database versions not stated): gnomAD exomes 0.00001; TOPMed 0.00003; gnomAD 0.00004.
gnomAD v4.1: 69 of 1,613,842 alleles (0.0043%); highest among the groups gnomAD compares: Non-Finnish European, 0.0049%; no homozygotes.

Submissions (5):

PreventionGenetics, part of Exact Sciences
Classification: Uncertain significance for TRPM1-related condition. Last evaluated: 2025-09-23. Review status: criteria provided, single submitter. Criteria: ACMG Guidelines, 2015. Collection method: clinical testing. Allele origin: germline.
Comment: The TRPM1 c.1655T>C variant is predicted to result in the amino acid substitution p.Leu552Pro. To our knowledge, this variant has not been reported in the literature. This variant is reported in 0.0083% of alleles in individuals of African descent in gnomAD. At this time, the clinical significance of this variant is uncertain due to the absence of conclusive functional and genetic evidence.

Ambry Genetics
Classification: Uncertain significance for Inborn genetic diseases. Last evaluated: 2025-03-06. Review status: criteria provided, single submitter. Criteria: Ambry Variant Classification Scheme 2023. Collection method: clinical testing. Allele origin: germline.

Labcorp Genetics (formerly Invitae), Labcorp
Classification: Uncertain significance. Last evaluated: 2024-07-05. Review status: criteria provided, single submitter. Criteria: Invitae Variant Classification Sherloc (09022015). Collection method: clinical testing. Allele origin: germline.
Comment: This sequence change replaces leucine, which is neutral and non-polar, with proline, which is neutral and non-polar, at codon 513 of the TRPM1 protein (p.Leu513Pro). This variant is present in population databases (rs777523949, gnomAD 0.004%). This missense change has been observed in individual(s) with night blindness (Invitae). ClinVar contains an entry for this variant (Variation ID: 423188). Advanced modeling of protein sequence and biophysical properties (such as structural, functional, and spatial information, amino acid conservation, physicochemical variation, residue mobility, and thermodynamic stability) has been performed at Invitae for this missense variant, however the output from this modeling did not meet the statistical confidence thresholds required to predict the impact of this variant on TRPM1 protein function. In summary, the available evidence is currently insufficient to determine the role of this variant in disease. Therefore, it has been classified as a Variant of Uncertain Significance.

Blueprint Genetics
Classification: Uncertain significance. Last evaluated: 2023-06-26. Review status: criteria provided, single submitter. Criteria: ACMG Guidelines, 2015. Collection method: clinical testing. Allele origin: germline.

GeneDx
Classification: Uncertain significance. Last evaluated: 2017-02-02. Review status: criteria provided, single submitter. Criteria: GeneDx Variant Classification (06012015). Collection method: clinical testing. Allele origin: germline. Affected: yes.
Comment: The L552P variant in the TRPM1 gene has not been reported previously as a pathogenic variant, nor as a benign variant, to our knowledge. The L552P variant is not observed in large population cohorts (Lek et al., 2016; 1000 Genomes Consortium et al., 2015; Exome Variant Server). The L552P variant is a semi-conservative amino acid substitution, which may impact secondary protein structure as these residues differ in some properties. This substitution occurs at a position where amino acids with similar properties to Leucine are tolerated across species. In silico analysis predicts this variant is probably damaging to the protein structure/function. We interpret L552P as a variant of uncertain significance.

NM_001252024.2(TRPM1):c.1604T>C (p.Leu535Pro)

Gene: TRPM1 (transient receptor potential cation channel subfamily M member 1; minus strand). Cytogenetic location: 15q13.3.
Variant type: single nucleotide variant.
Coding change: c.1604T>C on transcript NM_001252024.2 (MANE Select); coding-DNA position 1604, T replaced by C.
Protein change: p.Leu535Pro; replaces leucine 535 with proline.
Molecular consequence: missense variant.
Genome position (GRCh38, 1-based): chr15:31,047,908, A>G on the plus strand (T>C on the coding strand, the complement: TRPM1 is on the minus strand). VCF-style: chr15-31047908-A-G. GRCh37 (hg19) VCF-style: chr15-31340111-A-G.
Other names: c.1655T>C, p.Leu552Pro (NM_001252020.2); c.1538T>C, p.Leu513Pro (NM_002420.6); c.1538T>C (NM_002420.4); c.1655T>C (NM_001252020.1); short protein forms L513P, L552P, L535P.
Identifiers: ClinVar variation 423188 (VCV000423188.8), dbSNP rs777523949, ClinGen allele CA16619916.
Genomic context (GRCh38, chr15:31,047,908, plus strand): 5'-AAAGATGCCAACAGGTAAGAATTGTAAAACAGTAGACTGACCTTTTTCACATCCCTCACC[A>G]GCAGATGAAGTGTGTTTGGTGGACCCAGTCTCTGAAAGAGAAGCATTCATGTGTGTTAAA-3'
Protein context (NP_001238953.1, residues 525-545): RLGPPNTLHL[Leu535Pro]VRDVKKSNLP